The following is an entry in ClinVar:

NM_000379.4(XDH):c.575C>A (p.Ser192Ter)

Gene: XDH (xanthine dehydrogenase; minus strand). Cytogenetic location: 2p23.1.
Variant type: single nucleotide variant.
Coding change: c.575C>A on transcript NM_000379.4 (MANE Select); coding-DNA position 575, C replaced by A.
Protein change: p.Ser192Ter; replaces serine 192 with a stop codon.
Molecular consequence: nonsense.
Genome position (GRCh38, 1-based): chr2:31,387,887, G>T on the plus strand (C>A on the coding strand, the complement: XDH is on the minus strand). VCF-style: chr2-31387887-G-T. GRCh37 (hg19) VCF-style: chr2-31610753-G-T.
Other names: short protein forms S192*.
Identifiers: ClinVar variation 2744635 (VCV002744635.3), dbSNP rs866837583, ClinGen allele CA44728755.
Genomic context (GRCh38, chr2:31,387,887, plus strand): 5'-AAAATGGGCTCCTGGGTTGGATCCAGGGGCGTGAACTCCTCTGGTTTGAATAAAGATGGC[G>T]AGAGGCTGACCTATGGGGAAAGAGAACAGGTAGGTGATGCAGTATCTCCTCCTTTCAAAC-3'

ClinVar aggregate classification (germline): Pathogenic (1 of 4 stars; one submission).

Conditions:
Xanthinuria type II. Also called: Xanthine dehydrogenase and aldehyde oxidase combined deficiency of; XDH and AOX dual deficiency. Identifiers: Orphanet 3467, Orphanet 93602, MedGen C1863688, MONDO:0011346, OMIM 603592.

Submission:

Labcorp Genetics (formerly Invitae), Labcorp
Classification: Pathogenic for Xanthinuria type II. Last evaluated: 2023-05-28. Review status: criteria provided, single submitter. Criteria: Invitae Variant Classification Sherloc (09022015). Collection method: clinical testing. Allele origin: germline.
Comment: For these reasons, this variant has been classified as Pathogenic. This variant has not been reported in the literature in individuals affected with XDH-related conditions. This variant is not present in population databases (gnomAD no frequency). This sequence change creates a premature translational stop signal (p.Ser192*) in the XDH gene. It is expected to result in an absent or disrupted protein product. Loss-of-function variants in XDH are known to be pathogenic (PMID: 9153281).

Literature cited by the submitters: PubMed 9153281.